The following is an entry in ClinVar:

ClinVar aggregate classification (germline): Benign/Likely benign. Review status: criteria provided, multiple submitters, no conflicts (2 of 4 stars). 4 submissions from 4 submitters: Benign (1); Likely benign (3). Last evaluated 2026-01-26.

Conditions:
NOTCH3-related disorder. Also called: NOTCH3-related disorders; NOTCH3-related condition.

Allele frequency attached by ClinVar (database versions not stated): ExAC 0.00003; gnomAD exomes 0.00003; ESP Exome Variant Server 0.00008; gnomAD 0.00009; 1000 Genomes Project 0.00020; TOPMed 0.00025; 1000 Genomes Project 30x 0.00031.
gnomAD v4.1: 65 of 1,614,184 alleles (0.004%); highest among the groups gnomAD compares: Admixed American, 0.035%; no homozygotes.

Submissions (4):

Labcorp Genetics (formerly Invitae), Labcorp
Classification: Likely benign. Last evaluated: 2026-01-26. Review status: criteria provided, single submitter. Criteria: Invitae Variant Classification Sherloc (09022015). Collection method: clinical testing. Allele origin: germline.

PreventionGenetics, part of Exact Sciences
Classification: Likely benign for NOTCH3-related condition. Last evaluated: 2025-04-03. Review status: criteria provided, single submitter. Criteria: ACMG Guidelines, 2015. Collection method: clinical testing. Allele origin: germline.
Comment: This variant is classified as likely benign based on ACMG/AMP sequence variant interpretation guidelines (Richards et al. 2015 PMID: 25741868, with internal and published modifications).

Athena Diagnostics
Classification: Benign. Last evaluated: 2024-06-17. Review status: criteria provided, single submitter. Criteria: Athena Diagnostics Criteria. Collection method: clinical testing. Allele origin: unknown.

Blueprint Genetics
Classification: Likely benign. Last evaluated: 2023-02-16. Review status: criteria provided, single submitter. Criteria: ACMG Guidelines, 2015. Collection method: clinical testing. Allele origin: germline.

NM_000435.3(NOTCH3):c.1854A>G (p.Glu618=)

Gene: NOTCH3 (notch receptor 3; minus strand). Cytogenetic location: 19p13.12.
Variant type: single nucleotide variant.
Coding change: c.1854A>G on transcript NM_000435.3 (MANE Select); coding-DNA position 1854, A replaced by G.
Protein change: p.Glu618=; no amino-acid change (glutamic acid 618 retained).
Molecular consequence: synonymous variant.
Genome position (GRCh38, 1-based): chr19:15,186,975, T>C on the plus strand (A>G on the coding strand, the complement: NOTCH3 is on the minus strand). VCF-style: chr19-15186975-T-C. GRCh37 (hg19) VCF-style: chr19-15297786-T-C.
Identifiers: ClinVar variation 703263 (VCV000703263.10), dbSNP rs150438748, ClinGen allele CA9263516.
Genomic context (GRCh38, chr19:15,186,975, plus strand): 5'-GATGCCATCACGGCAGACTCCAAAGGTGCAGGGGTTGCTGGCACAGTCGTCAATGTTCAC[T>C]TCGCAGTTCACACCTAGGGGCCAGGAACATGGCATGGAGTGGCCACCACTGTGCCCCACT-3'
Protein context (NP_000426.2, residues 608-628): CPSGTTGVNC[Glu618=]VNIDDCASNP